The following is an entry in ClinVar:

NM_000218.3(KCNQ1):c.605-24C>T

Gene: KCNQ1 (potassium voltage-gated channel subfamily Q member 1; plus strand). Cytogenetic location: 11p15.5.
Variant type: single nucleotide variant.
Coding change: c.605-24C>T on transcript NM_000218.3 (MANE Select); 24 bases into the intron before coding-DNA position 605, C replaced by T.
Molecular consequence: intron variant.
Genome position (GRCh38, 1-based): chr11:2,571,301, C>T. VCF-style: chr11-2571301-C-T. GRCh37 (hg19) VCF-style: chr11-2592531-C-T.
Other names: c.335-24C>T (NM_001406837.1); c.605-24C>T (NM_001406836.1); c.478-12134C>T (NM_001406838.1); c.224-24C>T (NM_181798.2).
Identifiers: ClinVar variation 673820 (VCV000673820.4), dbSNP rs7946012, ClinGen allele CA039011.

ClinVar aggregate classification (germline): Benign. Review status: criteria provided, multiple submitters, no conflicts (2 of 4 stars). 2 submissions from 2 submitters: Benign (2). Last evaluated 2018-06-19.

Allele frequency attached by ClinVar (database versions not stated): 1000 Genomes Project 0.04732; TOPMed 0.04883; ESP Exome Variant Server 0.04901; 1000 Genomes Project 30x 0.04997; gnomAD exomes 0.00413 and 0.01081; ExAC 0.01322; gnomAD 0.04204 and 0.04503.
gnomAD v4.1: 12,694 of 1,601,774 alleles (0.79%); highest among the groups gnomAD compares: African/African-American, 15%; 829 homozygotes.

Submissions (2):

GeneDx
Classification: Benign. Last evaluated: 2018-06-19. Review status: criteria provided, single submitter. Criteria: GeneDx Variant Classification (06012015). Collection method: clinical testing. Allele origin: germline. Affected: yes.
Comment: This variant is considered likely benign or benign based on one or more of the following criteria: it is a conservative change, it occurs at a poorly conserved position in the protein, it is predicted to be benign by multiple in silico algorithms, and/or has population frequency not consistent with disease.

Breakthrough Genomics
Classification: Benign. Review status: criteria provided, single submitter. Criteria: ACMG Guidelines, 2015. Collection method: not provided. Allele origin: germline. Inheritance: Autosomal recessive inheritance. Affected: yes.